The following is an entry in ClinVar:

ClinVar aggregate classification (germline): Uncertain significance (1 of 4 stars; one submission).

Allele frequency attached by ClinVar (database versions not stated): gnomAD 0.00002; TOPMed 0.00002; ExAC 0.00003; gnomAD exomes 0.00003; 1000 Genomes Project 30x 0.00016; 1000 Genomes Project 0.00020.
gnomAD v4.1: 40 of 1,612,406 alleles (0.0025%); highest among the groups gnomAD compares: Non-Finnish European, 0.0032%; no homozygotes.

Submission:

Labcorp Genetics (formerly Invitae), Labcorp
Classification: Uncertain significance. Last evaluated: 2023-06-09. Review status: criteria provided, single submitter. Criteria: Invitae Variant Classification Sherloc (09022015). Collection method: clinical testing. Allele origin: germline.
Comment: In summary, the available evidence is currently insufficient to determine the role of this variant in disease. Therefore, it has been classified as a Variant of Uncertain Significance. An algorithm developed to predict the effect of missense changes on protein structure and function (PolyPhen-2) suggests that this variant is likely to be disruptive. This variant has not been reported in the literature in individuals affected with KLB-related conditions. This variant is present in population databases (rs188485566, gnomAD 0.004%). This sequence change replaces isoleucine, which is neutral and non-polar, with methionine, which is neutral and non-polar, at codon 691 of the KLB protein (p.Ile691Met).

NM_175737.4(KLB):c.2073C>G (p.Ile691Met)

Gene: KLB (klotho beta; plus strand). Cytogenetic location: 4p14.
Variant type: single nucleotide variant.
Coding change: c.2073C>G on transcript NM_175737.4 (MANE Select); coding-DNA position 2073, C replaced by G.
Protein change: p.Ile691Met; replaces isoleucine 691 with methionine.
Molecular consequence: missense variant.
Genome position (GRCh38, 1-based): chr4:39,446,799, C>G. VCF-style: chr4-39446799-C-G. GRCh37 (hg19) VCF-style: chr4-39448419-C-G.
Other names: short protein forms I691M.
Identifiers: ClinVar variation 2916726 (VCV002916726.3), dbSNP rs188485566, ClinGen allele CA2893932.